The following is an entry in ClinVar:

ClinVar aggregate classification (germline): Uncertain significance (1 of 4 stars; one submission).

Allele frequency attached by ClinVar (database versions not stated): gnomAD exomes below 0.00001; TOPMed below 0.00001; ExAC 0.00001; gnomAD 0.00001.
gnomAD v4.1: 2 of 1,614,102 alleles (0.00012%); highest among the groups gnomAD compares: Non-Finnish European, 0.00017%; no homozygotes.

Submission:

Labcorp Genetics (formerly Invitae), Labcorp
Classification: Uncertain significance. Last evaluated: 2024-01-08. Review status: criteria provided, single submitter. Criteria: Invitae Variant Classification Sherloc (09022015). Collection method: clinical testing. Allele origin: germline.
Comment: This sequence change replaces valine, which is neutral and non-polar, with isoleucine, which is neutral and non-polar, at codon 1367 of the DSCAML1 protein (p.Val1367Ile). This variant is present in population databases (rs764216134, gnomAD 0.0009%). This variant has not been reported in the literature in individuals affected with DSCAML1-related conditions. ClinVar contains an entry for this variant (Variation ID: 1382200). An algorithm developed to predict the effect of missense changes on protein structure and function (PolyPhen-2) suggests that this variant is likely to be tolerated. In summary, the available evidence is currently insufficient to determine the role of this variant in disease. Therefore, it has been classified as a Variant of Uncertain Significance.

NM_020693.4(DSCAML1):c.3919G>A (p.Val1307Ile)

Gene: DSCAML1 (DS cell adhesion molecule like 1; minus strand). Cytogenetic location: 11q23.3.
Variant type: single nucleotide variant.
Coding change: c.3919G>A on transcript NM_020693.4 (MANE Select); coding-DNA position 3919, G replaced by A.
Protein change: p.Val1307Ile; replaces valine 1307 with isoleucine.
Molecular consequence: missense variant.
Genome position (GRCh38, 1-based): chr11:117,439,880, C>T on the plus strand (G>A on the coding strand, the complement: DSCAML1 is on the minus strand). VCF-style: chr11-117439880-C-T. GRCh37 (hg19) VCF-style: chr11-117310596-C-T.
Other names: short protein forms V1307I.
Identifiers: ClinVar variation 1382200 (VCV001382200.6), dbSNP rs764216134, ClinGen allele CA6296544.